The following is an entry in ClinVar:

NM_052947.4(ALPK2):c.3764C>T (p.Thr1255Ile)

Genes: ALPK2 (alpha kinase 2; minus strand), LOC126862764 (BRD4-independent group 4 enhancer GRCh37_chr18:56202574-56203773; plus strand). Cytogenetic location: 18q21.31.
Variant type: single nucleotide variant.
Coding change: c.3764C>T on transcript NM_052947.4 (MANE Select); coding-DNA position 3764, C replaced by T.
Protein change: p.Thr1255Ile; replaces threonine 1255 with isoleucine.
Molecular consequence: missense variant.
Genome position (GRCh38, 1-based): chr18:58,536,423, G>A on the plus strand (C>T on the coding strand, the complement: ALPK2 is on the minus strand). VCF-style: chr18-58536423-G-A. GRCh37 (hg19) VCF-style: chr18-56203655-G-A.
Other names: short protein forms T1255I.
Identifiers: ClinVar variation 3531260 (VCV003531260.1).

ClinVar aggregate classification (germline): Uncertain significance (1 of 4 stars; one submission).

Submission:

Ambry Genetics
Classification: Uncertain significance. Last evaluated: 2024-08-20. Review status: criteria provided, single submitter. Criteria: Ambry Variant Classification Scheme 2023. Collection method: clinical testing. Allele origin: germline.
Comment: The p.T1255I variant (also known as c.3764C>T), located in coding exon 4 of the ALPK2 gene, results from a C to T substitution at nucleotide position 3764. The threonine at codon 1255 is replaced by isoleucine, an amino acid with similar properties. This amino acid position is conserved. In addition, this alteration is predicted to be tolerated by in silico analysis. Based on the available evidence, the clinical significance of this variant remains unclear.